The following is an entry in ClinVar:

ClinVar aggregate classification (germline): Pathogenic (1 of 4 stars; one submission).

Submission:

Labcorp Genetics (formerly Invitae), Labcorp
Classification: Pathogenic. Last evaluated: 2022-09-16. Review status: criteria provided, single submitter. Criteria: Invitae Variant Classification Sherloc (09022015). Collection method: clinical testing. Allele origin: germline.
Comment: This sequence change creates a premature translational stop signal (p.Lys59Argfs*9) in the ERCC3 gene. It is expected to result in an absent or disrupted protein product. Loss-of-function variants in ERCC3 are known to be pathogenic (PMID: 16947863). This variant is not present in population databases (gnomAD no frequency). This variant has not been reported in the literature in individuals affected with ERCC3-related conditions. For these reasons, this variant has been classified as Pathogenic.

Literature cited by the submitters: PubMed 16947863.

NM_000122.2(ERCC3):c.174del (p.Lys59fs)

Gene: ERCC3 (ERCC excision repair 3, TFIIH core complex helicase subunit; minus strand). Cytogenetic location: 2q14.3.
Variant type: Deletion.
Coding change: c.174del on transcript NM_000122.2 (MANE Select); coding-DNA position 174, one base deleted (C; older notation c.174delC).
Protein change: p.Lys59fs; shifts the reading frame from lysine 59.
Molecular consequence: frameshift variant. On other transcripts: 5 prime UTR variant (2).
Genome position (GRCh38, 1-based): chr2:127,293,573, G deleted on the plus strand (C on the coding strand, the reverse complement: ERCC3 is on the minus strand); the first of 2 consecutive G bases (chr2:127,293,573-127,293,574); deleting either gives the same sequence. VCF-style (leftmost placement, unchanged base first): chr2-127293572-TG-T. GRCh37 (hg19) VCF-style: chr2-128051148-TG-T.
Other names: c.-19del (NM_001303416.2, NM_001303418.2); short protein forms K59fs.
Identifiers: ClinVar variation 2020402 (VCV002020402.4), dbSNP rs2468070901, ClinGen allele CA2580063794.
Genomic context (GRCh38, chr2:127,293,572, plus strand): 5'-CCACCCAGAGGGGCCTGGAGGTGTGGTCGTCCTTCAGCGGCATTTGCAGCCTGTAGTCCT[TG>T]GCTCCATATTCATCCACTTTGGTGCCTGACTCATCCACCTGCTTCCCCGCCGCCGAGGGA-3'